The following is an entry in ClinVar:

NM_001379659.1(ZNF142):c.3775C>T (p.Arg1259Ter)

Gene: ZNF142 (zinc finger protein 142; minus strand). Cytogenetic location: 2q35.
Variant type: single nucleotide variant.
Coding change: c.3775C>T on transcript NM_001379659.1 (MANE Select); coding-DNA position 3775, C replaced by T.
Protein change: p.Arg1259Ter; replaces arginine 1259 with a stop codon.
Molecular consequence: nonsense.
Genome position (GRCh38, 1-based): chr2:218,643,341, G>A on the plus strand (C>T on the coding strand, the complement: ZNF142 is on the minus strand). VCF-style: chr2-218643341-G-A. GRCh37 (hg19) VCF-style: chr2-219508064-G-A.
Other names: ZNF142, ARG1059TER (rs546151500); c.3175C>T, p.Arg1059Ter (NM_001105537.5, NM_001366291.3, NM_001379662.1); c.2686C>T, p.Arg896Ter (NM_001366287.3, NM_001366288.3, NM_001366289.3); c.3775C>T, p.Arg1259Ter (NM_001379660.1, NM_001379661.1, NM_001366290.3); short protein forms R1059*, R1259*, R896*.
Identifiers: ClinVar variation 627545 (VCV000627545.12), dbSNP rs546151500, ClinGen allele CA2108919.

ClinVar aggregate classification (germline): Pathogenic/Likely pathogenic. Review status: criteria provided, multiple submitters, no conflicts (2 of 4 stars). 5 submissions from 5 submitters: Pathogenic (1); Likely pathogenic (2). 2 of the submissions do not count toward it. Last evaluated 2024-06-28.

Conditions:
Neurodevelopmental disorder with impaired speech and hyperkinetic movements. Identifiers: MedGen C5193088, MONDO:0032741, OMIM 618425.

Allele frequency attached by ClinVar (database versions not stated): ExAC 0.00002; gnomAD exomes 0.00001 and 0.00002; TOPMed 0.00003.
gnomAD v4.1: 31 of 1,614,132 alleles (0.0019%); highest among the groups gnomAD compares: East Asian, 0.0067%; no homozygotes.

Submissions (5):

Greenwood Genetic Center Diagnostic Laboratories, Greenwood Genetic Center
Classification: Likely pathogenic for Neurodevelopmental disorder with impaired speech and hyperkinetic movements. Last evaluated: 2024-06-28. Review status: criteria provided, single submitter. Criteria: ACMG Guidelines, 2015. Collection method: clinical testing. Allele origin: germline. Affected: yes.
Comment: PVS1, PM3

GeneDx
Classification: Pathogenic. Last evaluated: 2024-04-19. Review status: criteria provided, single submitter. Criteria: GeneDx Variant Classification Process June 2021. Collection method: clinical testing. Allele origin: germline. Affected: yes.
Comment: Nonsense variant predicted to result in protein truncation or nonsense mediated decay in a gene for which loss of function is a known mechanism of disease; Not observed at significant frequency in large population cohorts (gnomAD); This variant is associated with the following publications: (PMID: 31036918, 33098801, 35616059, 35872528)

Institute of Human Genetics Munich, TUM University Hospital
Classification: Likely pathogenic for Neurodevelopmental disorder with impaired speech and hyperkinetic movements. Last evaluated: 2020-01-16. Review status: criteria provided, single submitter. Criteria: Classification criteria August 2017. Collection method: clinical testing. Allele origin: maternal. Inheritance: Autosomal recessive inheritance. Affected: yes. Observed: 1 compound heterozygote.

OMIM
Classification: Pathogenic for NEURODEVELOPMENTAL DISORDER WITH IMPAIRED SPEECH AND HYPERKINETIC MOVEMENTS. Last evaluated: 2019-05-13. Review status: no assertion criteria provided. Collection method: literature only. Allele origin: germline. Not counted in ClinVar's aggregate classification.

Advanced Center For Translational And Genetic Medicine, Ann & Robert H. Lurie Children's Hospital Of Chicago
Classification: Likely pathogenic for Neurodevelopmental disorder with impaired speech and hyperkinetic movements. Last evaluated: 2019-03-08. Review status: no assertion criteria provided. Collection method: research. Allele origin: germline. Inheritance: Autosomal recessive inheritance. Affected: yes. Observed: 1 variant allele. Not counted in ClinVar's aggregate classification.

Literature cited by the submitters: PubMed 31036918 (cited by OMIM and Advanced Center For Translational And Genetic Medicine, Ann & Robert H. Lurie Children's Hospital Of Chicago).